The following is an entry in ClinVar:

NM_000551.4(VHL):c.607C>T (p.Gln203Ter)

Genes: VHL (von Hippel-Lindau tumor suppressor; plus strand), LOC107303340 (3p25 von Hippel-Lindau tumor suppressor, E3 ubiquitin protein ligase Alu-mediated recombination region; plus strand). Cytogenetic location: 3p25.3.
Variant type: single nucleotide variant.
Coding change: c.607C>T on transcript NM_000551.4 (MANE Select); coding-DNA position 607, C replaced by T.
Protein change: p.Gln203Ter; replaces glutamine 203 with a stop codon.
Molecular consequence: nonsense. On other transcripts: 3 prime UTR variant (1).
Genome position (GRCh38, 1-based): chr3:10,149,930, C>T. VCF-style: chr3-10149930-C-T. GRCh37 (hg19) VCF-style: chr3-10191614-C-T.
Other names: c.607C>T (NM_000551.3); c.*161C>T (NM_001354723.2); c.484C>T, p.Gln162Ter (NM_198156.3); short protein forms Q203*, Q162*.
Identifiers: ClinVar variation 1474431 (VCV001474431.7), dbSNP rs750711842, ClinGen allele CA041878.

ClinVar aggregate classification (germline): Uncertain significance. Review status: criteria provided, multiple submitters, no conflicts (2 of 4 stars). 2 submissions from 2 submitters: Uncertain significance (2). Last evaluated 2024-01-17.

Conditions:
Von Hippel-Lindau syndrome (VHLS). Also called: Von Hippel-Lindau; von Hippel–Lindau syndrome; VHL syndrome. Identifiers: Orphanet 892, MedGen C0019562, MONDO:0008667, OMIM 193300. Disease mechanism: loss of function.
Chuvash polycythemia. Also called: POLYCYTHEMIA, VHL-DEPENDENT. Identifiers: Orphanet 238557, MedGen C1837915, MONDO:0009892, OMIM 263400.
Hereditary cancer-predisposing syndrome. Also called: Hereditary neoplastic syndrome; Tumor predisposition; Neoplastic Syndromes, Hereditary; Hereditary Cancer Syndrome. Identifiers: Orphanet 140162, MedGen C0027672, MeSH D009386, MONDO:0015356.

Allele frequency attached by ClinVar (database versions not stated): gnomAD exomes below 0.00001; ExAC 0.00001.
gnomAD v4.1: 3 of 1,614,132 alleles (0.00019%); highest among the groups gnomAD compares: South Asian, 0.0033%; no homozygotes.

Submissions (2):

Ambry Genetics
Classification: Uncertain significance for Hereditary cancer-predisposing syndrome. Last evaluated: 2024-01-17. Review status: criteria provided, single submitter. Criteria: Ambry Variant Classification Scheme 2023. Collection method: clinical testing. Allele origin: germline.
Comment: The p.Q203* variant (also known as c.607C>T), located in coding exon 3 of the VHL gene, results from a C to T substitution at nucleotide position 607. This changes the amino acid from a glutamine to a stop codon within coding exon 3. This alteration occurs at the 3' terminus of theVHL gene, is not expected to trigger nonsense-mediated mRNAdecay, and only impacts the last 11 amino acids of the protein. The exact functional effect of this alteration is unknown. Based on the available evidence, the clinical significance of this alteration remains unclear.

Labcorp Genetics (formerly Invitae), Labcorp
Classification: Uncertain significance for Von Hippel-Lindau syndrome; Chuvash polycythemia. Last evaluated: 2021-07-11. Review status: criteria provided, single submitter. Criteria: Invitae Variant Classification Sherloc (09022015). Collection method: clinical testing. Allele origin: germline.
Comment: This sequence change creates a premature translational stop signal (p.Gln203*) in the VHL gene. While this is not anticipated to result in nonsense mediated decay, it is expected to disrupt the last 11 amino acid(s) of the VHL protein. This variant is present in population databases (rs750711842, ExAC 0.006%). This variant has not been reported in the literature in individuals affected with VHL-related conditions. Experimental studies and prediction algorithms are not available or were not evaluated, and the functional significance of this variant is currently unknown. In summary, the available evidence is currently insufficient to determine the role of this variant in disease. Therefore, it has been classified as a Variant of Uncertain Significance.